The following is an entry in ClinVar:

ClinVar aggregate classification (germline): Uncertain significance (1 of 4 stars; one submission).

Conditions:
Hereditary diffuse gastric adenocarcinoma (HDGC). Also called: DIFFUSE GASTRIC AND LOBULAR BREAST CANCER SYNDROME. Identifiers: Orphanet 26106, MedGen C1708349, MONDO:0007648, OMIM 137215.

Allele frequency attached by ClinVar (database versions not stated): ExAC below 0.00001; gnomAD exomes below 0.00001.
gnomAD v4.1: 2 of 1,534,704 alleles (0.00013%); highest among the groups gnomAD compares: South Asian, 0.0024%; no homozygotes.

Submission:

Labcorp Genetics (formerly Invitae), Labcorp
Classification: Uncertain significance for Hereditary diffuse gastric adenocarcinoma. Last evaluated: 2022-10-15. Review status: criteria provided, single submitter. Criteria: Invitae Variant Classification Sherloc (09022015). Collection method: clinical testing. Allele origin: germline.
Comment: This sequence change replaces arginine, which is basic and polar, with leucine, which is neutral and non-polar, at codon 6 of the CDH1 protein (p.Arg6Leu). This variant is not present in population databases (gnomAD no frequency). In summary, the available evidence is currently insufficient to determine the role of this variant in disease. Therefore, it has been classified as a Variant of Uncertain Significance. Algorithms developed to predict the effect of missense changes on protein structure and function output the following: SIFT: "Tolerated"; PolyPhen-2: "Benign"; Align-GVGD: "Class C0". The leucine amino acid residue is found in multiple mammalian species, which suggests that this missense change does not adversely affect protein function. ClinVar contains an entry for this variant (Variation ID: 1040439). This variant has not been reported in the literature in individuals affected with CDH1-related conditions.

NM_004360.5(CDH1):c.17G>T (p.Arg6Leu)

Gene: CDH1 (cadherin 1; plus strand). Cytogenetic location: 16q22.1.
Variant type: single nucleotide variant.
Coding change: c.17G>T on transcript NM_004360.5 (MANE Select); coding-DNA position 17, G replaced by T.
Protein change: p.Arg6Leu; replaces arginine 6 with leucine.
Molecular consequence: missense variant. On other transcripts: 5 prime UTR variant (2).
Genome position (GRCh38, 1-based): chr16:68,737,432, G>T. VCF-style: chr16-68737432-G-T. GRCh37 (hg19) VCF-style: chr16-68771335-G-T.
Other names: c.17G>T, p.Arg6Leu (NM_001317184.2); c.-1599G>T (NM_001317185.2); c.-1803G>T (NM_001317186.2); short protein forms R6L.
Identifiers: ClinVar variation 1040439 (VCV001040439.9), dbSNP rs746464544, ClinGen allele CA8129772.